The following is an entry in ClinVar:

ClinVar aggregate classification (germline): Likely benign (1 of 4 stars; one submission).

Submission:

GeneDx
Classification: Likely benign. Last evaluated: 2017-07-25. Review status: criteria provided, single submitter. Criteria: GeneDx Variant Classification (06012015). Collection method: clinical testing. Allele origin: germline. Affected: yes.
Comment: This variant is considered likely benign or benign based on one or more of the following criteria: it is a conservative change, it occurs at a poorly conserved position in the protein, it is predicted to be benign by multiple in silico algorithms, and/or has population frequency not consistent with disease.

NM_001377.3(DYNC2H1):c.11650-16_11650-15dup

Gene: DYNC2H1 (dynein cytoplasmic 2 heavy chain 1; plus strand). Cytogenetic location: 11q22.3.
Variant type: Duplication.
Coding change: c.11650-16_11650-15dup on transcript NM_001377.3 (MANE Select); 16 bases into the intron before coding-DNA position 11650 through 15 bases into the intron before coding-DNA position 11650, 2 bases duplicated (AA; older notation c.11650-16_11650-15dupAA).
Molecular consequence: intron variant.
Genome position (GRCh38, 1-based): chr11:103,316,529-103,316,530, AA duplicated; duplicating any 2 consecutive bases within chr11:103,316,524-103,316,530 gives the same sequence; the c. name uses the placement nearest the transcript's 3' end. VCF-style (leftmost placement, unchanged base first): chr11-103316523-T-TAA. GRCh37 (hg19) VCF-style: chr11-103187252-T-TAA.
Other names: c.11671-16_11671-15dup (NM_001080463.2); c.11671-16_11671-15dupAA (NM_001080463.1).
Identifiers: ClinVar variation 511073 (VCV000511073.1), dbSNP rs760869137, ClinGen allele CA227431445.
Genomic context (GRCh38, chr11:103,316,523, plus strand): 5'-TTTAATTTAAAGACAGTGATACATACATATATATCTTTGACTACTGCTTAGTTGTTTACT[T>TAA]AAAAAAATTGTTTTTTGACAGGGTTGGACAAAGTTTTATGAATTTTCTTTATCAGATCTT-3'